The following is an entry in ClinVar:

NM_023083.4(CAPN10):c.966G>A (p.Thr322=)

Gene: CAPN10 (calpain 10; plus strand). Cytogenetic location: 2q37.3.
Variant type: single nucleotide variant.
Coding change: c.966G>A on transcript NM_023083.4 (MANE Select); coding-DNA position 966, G replaced by A.
Protein change: p.Thr322=; no amino-acid change (threonine 322 retained).
Molecular consequence: synonymous variant.
Genome position (GRCh38, 1-based): chr2:240,594,678, G>A. VCF-style: chr2-240594678-G-A. GRCh37 (hg19) VCF-style: chr2-241534095-G-A.
Other names: c.966G>A, p.Thr322= (NM_023085.4).
Identifiers: ClinVar variation 725107 (VCV000725107.6), dbSNP rs145787041, ClinGen allele CA2205665.

ClinVar aggregate classification (germline): Likely benign. Review status: criteria provided, multiple submitters, no conflicts (2 of 4 stars). 3 submissions from 3 submitters: Likely benign (2). 1 of the submissions does not count toward it. Last evaluated 2018-04-10.

Conditions:
CAPN10-related disorder. Also called: CAPN10-related disorders; CAPN10-related condition.

Allele frequency attached by ClinVar (database versions not stated): gnomAD exomes 0.00022 and 0.00065; ExAC 0.00023; TOPMed 0.00030; gnomAD 0.00038 and 0.00040; ESP Exome Variant Server 0.00062; 1000 Genomes Project 30x 0.00078; 1000 Genomes Project 0.00100.
gnomAD v4.1: 982 of 1,613,422 alleles (0.061%); highest among the groups gnomAD compares: Non-Finnish European, 0.081%; no homozygotes.

Submissions (3):

Labcorp Genetics (formerly Invitae), Labcorp
Classification: Likely benign. Last evaluated: 2018-04-10. Review status: criteria provided, single submitter. Criteria: Invitae Variant Classification Sherloc (09022015). Collection method: clinical testing. Allele origin: germline.

Breakthrough Genomics
Classification: Likely benign. Review status: criteria provided, single submitter. Criteria: ACMG Guidelines, 2015. Collection method: not provided. Allele origin: germline. Inheritance: Unknown mechanism. Affected: yes.

PreventionGenetics, part of Exact Sciences
Classification: Likely benign for CAPN10-related condition. Last evaluated: 2020-08-18. Review status: no assertion criteria provided. Collection method: clinical testing. Allele origin: germline. Not counted in ClinVar's aggregate classification.
Comment: This variant is classified as likely benign based on ACMG/AMP sequence variant interpretation guidelines (Richards et al. 2015 PMID: 25741868, with internal and published modifications).